The following is an entry in ClinVar:

ClinVar aggregate classification (germline): Uncertain significance (1 of 4 stars; one submission).

Conditions:
Ullrich congenital muscular dystrophy 2 (UCMD2). Identifiers: Orphanet 75840, MedGen C4225314, MONDO:0014654, OMIM 616470.
Bethlem myopathy 2 (BTHLM2). Identifiers: Orphanet 536516, Orphanet 610, MedGen C4225313, MONDO:0034022, OMIM 616471.

Submission:

Labcorp Genetics (formerly Invitae), Labcorp
Classification: Uncertain significance for Bethlem myopathy 2; Ullrich congenital muscular dystrophy 2. Last evaluated: 2023-09-27. Review status: criteria provided, single submitter. Criteria: Invitae Variant Classification Sherloc (09022015). Collection method: clinical testing. Allele origin: germline.
Comment: This sequence change replaces arginine, which is basic and polar, with glycine, which is neutral and non-polar, at codon 1599 of the COL12A1 protein (p.Arg1599Gly). This variant is not present in population databases (gnomAD no frequency). This variant has not been reported in the literature in individuals affected with COL12A1-related conditions. Advanced modeling of protein sequence and biophysical properties (such as structural, functional, and spatial information, amino acid conservation, physicochemical variation, residue mobility, and thermodynamic stability) performed at Invitae indicates that this missense variant is not expected to disrupt COL12A1 protein function. In summary, the available evidence is currently insufficient to determine the role of this variant in disease. Therefore, it has been classified as a Variant of Uncertain Significance.

NM_004370.6(COL12A1):c.4795C>G (p.Arg1599Gly)

Gene: COL12A1 (collagen type XII alpha 1 chain; minus strand). Cytogenetic location: 6q13.
Variant type: single nucleotide variant.
Coding change: c.4795C>G on transcript NM_004370.6 (MANE Select); coding-DNA position 4795, C replaced by G.
Protein change: p.Arg1599Gly; replaces arginine 1599 with glycine.
Molecular consequence: missense variant.
Genome position (GRCh38, 1-based): chr6:75,143,284, G>C on the plus strand (C>G on the coding strand, the complement: COL12A1 is on the minus strand). VCF-style: chr6-75143284-G-C. GRCh37 (hg19) VCF-style: chr6-75853000-G-C.
Other names: c.4795C>G, p.Arg1599Gly (NM_001424113.1, NM_001424114.1); c.1303C>G, p.Arg435Gly (NM_080645.3, NM_001424116.1); c.4522C>G, p.Arg1508Gly (NM_001424115.1); short protein forms R1599G, R435G, R1508G.
Identifiers: ClinVar variation 2952332 (VCV002952332.3), dbSNP rs1767004926, ClinGen allele CA364741921.